The following is an entry in ClinVar:

ClinVar aggregate classification (germline): Uncertain significance (1 of 4 stars; one submission).

gnomAD v4.1: 1 of 1,614,050 alleles (0.000062%); highest among the groups gnomAD compares: Non-Finnish European, 0.000085%; no homozygotes.

Submission:

Labcorp Genetics (formerly Invitae), Labcorp
Classification: Uncertain significance. Last evaluated: 2024-10-19. Review status: criteria provided, single submitter. Criteria: Invitae Variant Classification Sherloc (09022015). Collection method: clinical testing. Allele origin: germline.
Comment: This sequence change replaces lysine, which is basic and polar, with isoleucine, which is neutral and non-polar, at codon 107 of the IL23R protein (p.Lys107Ile). This variant is not present in population databases (gnomAD no frequency). This variant has not been reported in the literature in individuals affected with IL23R-related conditions. An algorithm developed to predict the effect of missense changes on protein structure and function (PolyPhen-2) suggests that this variant is likely to be tolerated. In summary, the available evidence is currently insufficient to determine the role of this variant in disease. Therefore, it has been classified as a Variant of Uncertain Significance.

NM_144701.3(IL23R):c.320A>T (p.Lys107Ile)

Gene: IL23R (interleukin 23 receptor; plus strand). Cytogenetic location: 1p31.3.
Variant type: single nucleotide variant.
Coding change: c.320A>T on transcript NM_144701.3 (MANE Select); coding-DNA position 320, A replaced by T.
Protein change: p.Lys107Ile; replaces lysine 107 with isoleucine.
Molecular consequence: missense variant.
Genome position (GRCh38, 1-based): chr1:67,169,591, A>T. VCF-style: chr1-67169591-A-T. GRCh37 (hg19) VCF-style: chr1-67635274-A-T.
Other names: short protein forms K107I.
Identifiers: ClinVar variation 3604697 (VCV003604697.2).